The following is an entry in ClinVar:

ClinVar aggregate classification (germline): Likely benign. Review status: criteria provided, multiple submitters, no conflicts (2 of 4 stars). 2 submissions from 2 submitters: Likely benign (2). Last evaluated 2025-12-10.

Conditions:
Hereditary spastic paraplegia 11. Also called: SPASTIC PARAPLEGIA, AUTOSOMAL RECESSIVE, COMPLICATED, WITH THIN CORPUS CALLOSUM; SPASTIC PARAPLEGIA, AUTOSOMAL RECESSIVE, WITH MENTAL IMPAIRMENT AND THIN CORPUS CALLOSUM; Spastic paraplegia, mental retardation and thin corpus callosum; Spastic Paraplegia 11; Nakamura Osame syndrome; Autosomal recessive hereditary spastic paraplegia, mental impairment, and thin corpus callosum. Identifiers: Orphanet 2822, MedGen C1858479, MONDO:0011445, OMIM 604360.
SPG11-related disorder. Also called: SPG11-related condition.

Allele frequency attached by ClinVar (database versions not stated): gnomAD 0.00001; gnomAD exomes 0.00001; TOPMed 0.00002; 1000 Genomes Project 30x 0.00016.
gnomAD v4.1: 12 of 1,611,788 alleles (0.00074%); highest among the groups gnomAD compares: East Asian, 0.0022%; no homozygotes.

Submissions (2):

PreventionGenetics, part of Exact Sciences
Classification: Likely benign for SPG11-related condition. Last evaluated: 2025-12-10. Review status: criteria provided, single submitter. Criteria: ACMG Guidelines, 2015. Collection method: clinical testing. Allele origin: germline.
Comment: This variant is classified as likely benign based on ACMG/AMP sequence variant interpretation guidelines (Richards et al. 2015 PMID: 25741868, with internal and published modifications).

Labcorp Genetics (formerly Invitae), Labcorp
Classification: Likely benign for Hereditary spastic paraplegia 11. Last evaluated: 2024-12-23. Review status: criteria provided, single submitter. Criteria: Invitae Variant Classification Sherloc (09022015). Collection method: clinical testing. Allele origin: germline.

NM_025137.4(SPG11):c.5058C>T (p.Phe1686=)

Gene: SPG11 (SPG11 vesicle trafficking associated, spatacsin; minus strand). Cytogenetic location: 15q21.1.
Variant type: single nucleotide variant.
Coding change: c.5058C>T on transcript NM_025137.4 (MANE Select); coding-DNA position 5058, C replaced by T.
Protein change: p.Phe1686=; no amino-acid change (phenylalanine 1686 retained).
Molecular consequence: synonymous variant.
Genome position (GRCh38, 1-based): chr15:44,585,699, G>A on the plus strand (C>T on the coding strand, the complement: SPG11 is on the minus strand). VCF-style: chr15-44585699-G-A. GRCh37 (hg19) VCF-style: chr15-44877897-G-A.
Other names: c.5058C>T, p.Phe1686= (NM_001160227.2); c.5058C>T (NM_025137.3).
Identifiers: ClinVar variation 1536165 (VCV001536165.9), dbSNP rs1435099458, ClinGen allele CA490204791.